The following is an entry in ClinVar:

NM_015365.3(AMMECR1):c.960T>C (p.Asn320=)

Gene: AMMECR1 (AMMECR nuclear protein 1; minus strand). Cytogenetic location: Xq23.
Variant type: single nucleotide variant.
Coding change: c.960T>C on transcript NM_015365.3 (MANE Select); coding-DNA position 960, T replaced by C.
Protein change: p.Asn320=; no amino-acid change (asparagine 320 retained).
Molecular consequence: synonymous variant.
Genome position (GRCh38, 1-based): chrX:110,198,562, A>G on the plus strand (T>C on the coding strand, the complement: AMMECR1 is on the minus strand). VCF-style: chrX-110198562-A-G. GRCh37 (hg19) VCF-style: chrX-109441790-A-G.
Other names: c.849T>C, p.Asn283= (NM_001025580.2); c.591T>C, p.Asn197= (NM_001171689.2).
Identifiers: ClinVar variation 779292 (VCV000779292.7), dbSNP rs140247782, ClinGen allele CA10491457.

ClinVar aggregate classification (germline): Benign/Likely benign. Review status: criteria provided, multiple submitters, no conflicts (2 of 4 stars). 4 submissions from 4 submitters: Benign (3); Likely benign (1). Last evaluated 2026-05-01.

Conditions:
AMMECR1-related disorder. Also called: AMMECR1-related condition.

Allele frequency attached by ClinVar (database versions not stated): TOPMed 0.00264; gnomAD 0.00279 and 0.00287; gnomAD exomes 0.00284 and 0.00539; ExAC 0.00291; ESP Exome Variant Server 0.00360.
gnomAD v4.1: 6,096 of 1,200,325 alleles (0.51%); highest among the groups gnomAD compares: Non-Finnish European, 0.64%; 9 homozygotes.

Submissions (4):

PreventionGenetics, part of Exact Sciences
Classification: Benign for AMMECR1-related condition. Last evaluated: 2026-05-01. Review status: criteria provided, single submitter. Criteria: ACMG Guidelines, 2015. Collection method: clinical testing. Allele origin: germline.
Comment: This variant is classified as benign based on ACMG/AMP sequence variant interpretation guidelines (Richards et al. 2015 PMID: 25741868, with internal and published modifications).

Blueprint Genetics
Classification: Likely benign. Last evaluated: 2024-11-21. Review status: criteria provided, single submitter. Criteria: ACMG Guidelines, 2015. Collection method: clinical testing. Allele origin: germline.

Labcorp Genetics (formerly Invitae), Labcorp
Classification: Benign. Last evaluated: 2019-12-31. Review status: criteria provided, single submitter. Criteria: Invitae Variant Classification Sherloc (09022015). Collection method: clinical testing. Allele origin: germline.

Breakthrough Genomics
Classification: Benign. Review status: criteria provided, single submitter. Criteria: ACMG Guidelines, 2015. Collection method: not provided. Allele origin: germline. Inheritance: X-linked inheritance. Affected: yes.